The following is an entry in ClinVar:

NM_003640.5(ELP1):c.1102dup (p.Tyr368fs)

Gene: ELP1 (elongator acetyltransferase complex subunit 1; minus strand). Cytogenetic location: 9q31.3.
Variant type: Duplication.
Coding change: c.1102dup on transcript NM_003640.5 (MANE Select); coding-DNA position 1102, one base duplicated (T; older notation c.1102dupT).
Protein change: p.Tyr368fs; shifts the reading frame from tyrosine 368.
Molecular consequence: frameshift variant.
Genome position (GRCh38, 1-based): chr9:108,912,351, A duplicated on the plus strand (T on the coding strand, the reverse complement: ELP1 is on the minus strand); the first of 2 consecutive A bases (chr9:108,912,351-108,912,352); duplicating either gives the same sequence. VCF-style (leftmost placement, unchanged base first): chr9-108912350-T-TA. GRCh37 (hg19) VCF-style: chr9-111674630-T-TA.
Other names: c.760dup, p.Tyr254fs (NM_001318360.2); c.55dup, p.Tyr19fs (NM_001330749.2); short protein forms Y19fs, Y368fs, Y254fs.
Identifiers: ClinVar variation 4736015 (VCV004736015.1).
Genomic context (GRCh38, chr9:108,912,350, plus strand): 5'-AAGTCACTTGAATTATCTCCCACGCTCCGGTCAGTCGTCCAGTGCCAATCATAGGCGAGG[T>TA]AATGCCAGCCCTGACAGAGAACATGCAGCCGGTATGGGGTCACAGGGTCCCACATCAGAG-3'

ClinVar aggregate classification (germline): Pathogenic (1 of 4 stars; one submission).

Submission:

Labcorp Genetics (formerly Invitae), Labcorp
Classification: Pathogenic. Last evaluated: 2026-01-22. Review status: criteria provided, single submitter. Criteria: Invitae Variant Classification Sherloc (09022015). Collection method: clinical testing. Allele origin: germline.
Comment: This sequence change creates a premature translational stop signal (p.Tyr368Leufs*5) in the ELP1 gene. It is expected to result in an absent or disrupted protein product. Loss-of-function variants in ELP1 are known to be pathogenic (PMID: 18303054, 24173031). This variant is not present in population databases (gnomAD no frequency). This variant has not been reported in the literature in individuals affected with ELP1-related conditions. For these reasons, this variant has been classified as Pathogenic.

Literature cited by the submitters: PubMed 18303054; PubMed 24173031.